The following is an entry in ClinVar:

ClinVar aggregate classification (germline): Uncertain significance (1 of 4 stars; one submission).

Submission:

GeneDx
Classification: Uncertain significance. Last evaluated: 2023-07-18. Review status: criteria provided, single submitter. Criteria: GeneDx Variant Classification Process June 2021. Collection method: clinical testing. Allele origin: germline. Affected: yes.
Comment: Not observed at significant frequency in large population cohorts (gnomAD); In silico analysis supports that this missense variant does not alter protein structure/function; Has not been previously published as pathogenic or benign to our knowledge; This variant is associated with the following publications: (PMID: 25471517)

NM_005051.3(QARS1):c.313G>A (p.Val105Met)

Gene: QARS1 (glutaminyl-tRNA synthetase 1; minus strand). Cytogenetic location: 3p21.31.
Variant type: single nucleotide variant.
Coding change: c.313G>A on transcript NM_005051.3 (MANE Select); coding-DNA position 313, G replaced by A.
Protein change: p.Val105Met; replaces valine 105 with methionine.
Molecular consequence: missense variant. On other transcripts: non-coding transcript variant (1).
Genome position (GRCh38, 1-based): chr3:49,103,925, C>T on the plus strand (G>A on the coding strand, the complement: QARS1 is on the minus strand). VCF-style: chr3-49103925-C-T. GRCh37 (hg19) VCF-style: chr3-49141358-C-T.
Other names: c.280G>A, p.Val94Met (NM_001272073.2); short protein forms V105M, V94M.
Identifiers: ClinVar variation 3361182 (VCV003361182.1).